The following is an entry in ClinVar:

NM_025074.7(FRAS1):c.3065A>C (p.Lys1022Thr)

Gene: FRAS1 (Fraser extracellular matrix complex subunit 1; plus strand). Cytogenetic location: 4q21.21.
Variant type: single nucleotide variant.
Coding change: c.3065A>C on transcript NM_025074.7 (MANE Select); coding-DNA position 3065, A replaced by C.
Protein change: p.Lys1022Thr; replaces lysine 1022 with threonine.
Molecular consequence: missense variant.
Genome position (GRCh38, 1-based): chr4:78,374,165, A>C. VCF-style: chr4-78374165-A-C. GRCh37 (hg19) VCF-style: chr4-79295319-A-C.
Other names: c.3065A>C, p.Lys1022Thr (NM_001166133.2); short protein forms K1022T.
Identifiers: ClinVar variation 706105 (VCV000706105.21), dbSNP rs201252328, ClinGen allele CA2976816.

ClinVar aggregate classification (germline): Conflicting classifications of pathogenicity. Review status: criteria provided, conflicting classifications (1 of 4 stars). 9 submissions from 9 submitters: Uncertain significance (2); Likely benign (3). 4 of the submissions do not count toward it. Last evaluated 2026-01-27.

Conditions:
FRAS1-related disorder. Also called: FRAS1-related condition.
Inborn genetic diseases. Identifiers: MedGen C0950123, MeSH D030342.
Fraser syndrome 1 (FRASRS1). Also called: CRYPTOPHTHALMOS WITH OTHER MALFORMATIONS. Identifiers: Orphanet 2052, MedGen C4551480, MONDO:0054737, OMIM 219000.

Allele frequency attached by ClinVar (database versions not stated): 1000 Genomes Project 30x 0.00094; 1000 Genomes Project 0.00100; ESP Exome Variant Server 0.00025; gnomAD 0.00025 and 0.00040; TOPMed 0.00033; gnomAD exomes 0.00051 and 0.00072; ExAC 0.00090.
gnomAD v4.1: 801 of 1,606,030 alleles (0.05%); highest among the groups gnomAD compares: South Asian, 0.42%; 5 homozygotes.

Submissions (9):

Labcorp Genetics (formerly Invitae), Labcorp
Classification: Likely benign. Last evaluated: 2026-01-27. Review status: criteria provided, single submitter. Criteria: Invitae Variant Classification Sherloc (09022015). Collection method: clinical testing. Allele origin: germline.

Blueprint Genetics
Classification: Likely benign. Last evaluated: 2024-11-11. Review status: criteria provided, single submitter. Criteria: ACMG Guidelines, 2015. Collection method: clinical testing. Allele origin: germline.

Ambry Genetics
Classification: Uncertain significance for Inborn genetic diseases. Last evaluated: 2024-01-03. Review status: criteria provided, single submitter. Criteria: Ambry Variant Classification Scheme 2023. Collection method: clinical testing. Allele origin: germline.

Department of Pathology and Laboratory Medicine, Sinai Health System
Classification: Uncertain significance for Fraser syndrome 1. Last evaluated: 2020-08-05. Review status: criteria provided, single submitter. Criteria: ACMG Guidelines, 2015. Collection method: research. Allele origin: germline.

Illumina Laboratory Services, Illumina
Classification: Likely benign for Fraser syndrome 1. Last evaluated: 2018-01-12. Review status: criteria provided, single submitter. Criteria: ICSL Variant Classification Criteria 13 December 2019. Collection method: clinical testing. Allele origin: germline.
Comment: This variant was observed in the ICSL laboratory as part of a predisposition screen in an ostensibly healthy population. It had not been previously curated by ICSL or reported in the Human Gene Mutation Database (HGMD: prior to June 1st, 2018), and was therefore a candidate for classification through an automated scoring system. Utilizing variant allele frequency, disease prevalence and penetrance estimates, and inheritance mode, an automated score was calculated to assess if this variant is too frequent to cause the disease. Based on the score and internal cut-off values, a variant classified as likely benign is not then subjected to further curation. The score for this variant resulted in a classification of likely benign for this disease.

PreventionGenetics, part of Exact Sciences
Classification: Likely benign for FRAS1-related condition. Last evaluated: 2022-07-05. Review status: no assertion criteria provided. Collection method: clinical testing. Allele origin: germline. Not counted in ClinVar's aggregate classification.
Comment: This variant is classified as likely benign based on ACMG/AMP sequence variant interpretation guidelines (Richards et al. 2015 PMID: 25741868, with internal and published modifications).

Clinical Genetics DNA and cytogenetics Diagnostics Lab, Erasmus MC, Erasmus Medical Center
Classification: Likely benign. Review status: no assertion criteria provided. Collection method: clinical testing. Allele origin: germline. Affected: yes. Study: VKGL Data-share Consensus. Not counted in ClinVar's aggregate classification.

Genome Diagnostics Laboratory, University Medical Center Utrecht
Classification: Likely benign. Review status: no assertion criteria provided. Collection method: clinical testing. Allele origin: germline. Affected: yes. Study: VKGL Data-share Consensus. Not counted in ClinVar's aggregate classification.

Laboratory of Diagnostic Genome Analysis, Leiden University Medical Center (LUMC)
Classification: Likely benign. Review status: no assertion criteria provided. Collection method: clinical testing. Allele origin: germline. Affected: yes. Study: VKGL Data-share Consensus. Not counted in ClinVar's aggregate classification.